The following is an entry in ClinVar:

NM_000934.4(SERPINF2):c.97C>T (p.Arg33Trp)

Gene: SERPINF2 (serpin family F member 2; plus strand). Cytogenetic location: 17p13.3.
Variant type: single nucleotide variant.
Coding change: c.97C>T on transcript NM_000934.4 (MANE Select); coding-DNA position 97, C replaced by T.
Protein change: p.Arg33Trp; replaces arginine 33 with tryptophan.
Molecular consequence: missense variant.
Genome position (GRCh38, 1-based): chr17:1,745,208, C>T. VCF-style: chr17-1745208-C-T. GRCh37 (hg19) VCF-style: chr17-1648502-C-T.
Other names: c.97C>T, p.Arg33Trp (NM_001165920.1, NM_001165921.2); short protein forms R33W.
Identifiers: ClinVar variation 256837 (VCV000256837.4), dbSNP rs2070863, ClinGen allele CA8274047.

ClinVar aggregate classification (germline): Benign. Review status: criteria provided, multiple submitters, no conflicts (2 of 4 stars). 3 submissions from 3 submitters: Benign (3). Last evaluated 2025-03-04.

Allele frequency attached by ClinVar (database versions not stated): ESP Exome Variant Server 0.20191; 1000 Genomes Project 30x 0.23907; ExAC 0.30726; gnomAD 0.22776 and 0.23316; 1000 Genomes Project 0.23902; TOPMed 0.21419; gnomAD exomes 0.24245.
gnomAD v4.1: 354,475 of 1,553,220 alleles (23%); highest among the groups gnomAD compares: South Asian, 38%; 41,715 homozygotes.

Submissions (3):

Mayo Clinic Laboratories, Mayo Clinic
Classification: Benign. Last evaluated: 2025-03-04. Review status: criteria provided, single submitter. Criteria: ACMG Guidelines, 2015. Collection method: clinical testing. Allele origin: germline. Observed: 47 variant alleles.
Comment: BA1, BS2

Breakthrough Genomics
Classification: Benign. Review status: criteria provided, single submitter. Criteria: ACMG Guidelines, 2015. Collection method: not provided. Allele origin: germline. Inheritance: Autosomal recessive inheritance. Affected: yes.

PreventionGenetics, part of Exact Sciences
Classification: Benign. Review status: criteria provided, single submitter. Criteria: ACMG Guidelines, 2015. Collection method: clinical testing. Allele origin: germline.

Literature cited by the submitters: PubMed 17317851 (cited by Mayo Clinic Laboratories, Mayo Clinic); PubMed 29723259 (cited by Mayo Clinic Laboratories, Mayo Clinic).